The following is an entry in ClinVar:

NM_001113378.2(FANCI):c.2843A>G (p.Asp948Gly)

Gene: FANCI (FA complementation group I; plus strand). Cytogenetic location: 15q26.1.
Variant type: single nucleotide variant.
Coding change: c.2843A>G on transcript NM_001113378.2 (MANE Select); coding-DNA position 2843, A replaced by G.
Protein change: p.Asp948Gly; replaces aspartic acid 948 with glycine.
Molecular consequence: missense variant.
Genome position (GRCh38, 1-based): chr15:89,300,339, A>G. VCF-style: chr15-89300339-A-G. GRCh37 (hg19) VCF-style: chr15-89843570-A-G.
Other names: c.2564A>G, p.Asp855Gly (NM_001376910.1); c.2843A>G, p.Asp948Gly (NM_001376911.1); c.2663A>G, p.Asp888Gly (NM_018193.3); short protein forms D855G, D888G, D948G.
Identifiers: ClinVar variation 1492387 (VCV001492387.8), dbSNP rs2054481871, ClinGen allele CA393737448.
Genomic context (GRCh38, chr15:89,300,339, plus strand): 5'-GAGTTTCTTTTCCATTCCTAGATGTCACAGATAAGGAAGGAGAAGAGAGAGAAGATGCAG[A>G]TGTCAGTGTCACTCAGAGAACAGCATTCCAGATCCGGCAATTTCAGGTGAGAAGCCTTGC-3'
Protein context (NP_001106849.1, residues 938-958): DKEGEEREDA[Asp948Gly]VSVTQRTAFQ

ClinVar aggregate classification (germline): Uncertain significance (1 of 4 stars; one submission).

Conditions:
Fanconi anemia (FA). Also called: Fanconi's anemia. Identifiers: Orphanet 84, MedGen C0015625, MeSH D005199, MONDO:0019391.

Allele frequency attached by ClinVar (database versions not stated): TOPMed below 0.00001.

Submission:

Labcorp Genetics (formerly Invitae), Labcorp
Classification: Uncertain significance for Fanconi anemia. Last evaluated: 2021-02-12. Review status: criteria provided, single submitter. Criteria: Invitae Variant Classification Sherloc (09022015). Collection method: clinical testing. Allele origin: germline.
Comment: This variant is not present in population databases (ExAC no frequency). This sequence change replaces aspartic acid with glycine at codon 948 of the FANCI protein (p.Asp948Gly). The aspartic acid residue is weakly conserved and there is a moderate physicochemical difference between aspartic acid and glycine. This variant has not been reported in the literature in individuals with FANCI-related conditions. In summary, the available evidence is currently insufficient to determine the role of this variant in disease. Therefore, it has been classified as a Variant of Uncertain Significance. Algorithms developed to predict the effect of sequence changes on RNA splicing suggest that this variant may create or strengthen a splice site, but this prediction has not been confirmed by published transcriptional studies. Algorithms developed to predict the effect of missense changes on protein structure and function output the following: SIFT: "Tolerated"; PolyPhen-2: "Benign"; Align-GVGD: "Class C0". The glycine amino acid residue is found in multiple mammalian species, suggesting that this missense change does not adversely affect protein function. These predictions have not been confirmed by published functional studies and their clinical significance is uncertain.